The following is an entry in ClinVar:

NM_019055.6(ROBO4):c.2005C>T (p.Arg669Trp)

Gene: ROBO4 (roundabout guidance receptor 4; minus strand). Cytogenetic location: 11q24.2.
Variant type: single nucleotide variant.
Coding change: c.2005C>T on transcript NM_019055.6 (MANE Select); coding-DNA position 2005, C replaced by T.
Protein change: p.Arg669Trp; replaces arginine 669 with tryptophan.
Molecular consequence: missense variant.
Genome position (GRCh38, 1-based): chr11:124,887,784, G>A on the plus strand (C>T on the coding strand, the complement: ROBO4 is on the minus strand). VCF-style: chr11-124887784-G-A. GRCh37 (hg19) VCF-style: chr11-124757680-G-A.
Other names: c.1570C>T, p.Arg524Trp (NM_001301088.2); c.2005C>T (NM_019055.5); short protein forms R524W, R669W.
Identifiers: ClinVar variation 2642503 (VCV002642503.25), dbSNP rs199554824, ClinGen allele CA6344738.
Genomic context (GRCh38, chr11:124,887,784, plus strand): 5'-CCCTCTCACCTGGGCTTTGGGAAAGGTTCTTGGAACCTCTATTTCCTAACTCACAGGCCC[G>A]GAGCTCCAAGGAGTGGCTGCCCCGGAGCAGTGGGGAACTGTTGGCATGCTGCAGCTCTGC-3'
Protein context (NP_061928.4, residues 659-679): LLRGSHSLEL[Arg669Trp]ACELGNRGSK

ClinVar aggregate classification (germline): Likely benign. Review status: criteria provided, single submitter (1 of 4 stars). 2 submissions from 2 submitters: Likely benign (1). 1 of the submissions does not count toward it. Last evaluated 2022-03-01.

Conditions:
ROBO4-related disorder. Also called: ROBO4-related condition.

Allele frequency attached by ClinVar (database versions not stated): gnomAD exomes 0.00019; gnomAD 0.00022; ESP Exome Variant Server 0.00023; ExAC 0.00028; TOPMed 0.00032.
gnomAD v4.1: 323 of 1,613,842 alleles (0.02%); highest among the groups gnomAD compares: South Asian, 0.0077%; 2 homozygotes.

Submissions (2):

CeGaT Center for Human Genetics Tuebingen
Classification: Likely benign. Last evaluated: 2022-03-01. Review status: criteria provided, single submitter. Criteria: CeGaT Center For Human Genetics Tuebingen Variant Classification Criteria Version 2. Collection method: clinical testing. Allele origin: germline. Affected: yes. Observed: 1 variant allele.
Comment: ROBO4: BP4

PreventionGenetics, part of Exact Sciences
Classification: Benign for ROBO4-related condition. Last evaluated: 2019-08-01. Review status: no assertion criteria provided. Collection method: clinical testing. Allele origin: germline. Not counted in ClinVar's aggregate classification.
Comment: This variant is classified as benign based on ACMG/AMP sequence variant interpretation guidelines (Richards et al. 2015 PMID: 25741868, with internal and published modifications).